The following is an entry in ClinVar:

ClinVar aggregate classification (germline): Uncertain significance (1 of 4 stars; one submission).

Submission:

GeneDx
Classification: Uncertain significance. Last evaluated: 2026-08-27. Review status: criteria provided, single submitter. Criteria: GeneDx Variant Classification Process June 2021. Collection method: clinical testing. Allele origin: germline.
Comment: Not observed at significant frequency in large population cohorts (gnomAD); In silico analysis suggests that this missense variant does not alter protein structure/function; Has not been previously published as pathogenic or benign to our knowledge

NM_030632.3(ASXL3):c.2086T>C (p.Ser696Pro)

Gene: ASXL3 (ASXL transcriptional regulator 3; plus strand). Cytogenetic location: 18q12.1.
Variant type: single nucleotide variant.
Coding change: c.2086T>C on transcript NM_030632.3 (MANE Select); coding-DNA position 2086, T replaced by C.
Protein change: p.Ser696Pro; replaces serine 696 with proline.
Molecular consequence: missense variant.
Genome position (GRCh38, 1-based): chr18:33,739,490, T>C. VCF-style: chr18-33739490-T-C. GRCh37 (hg19) VCF-style: chr18-31319454-T-C.
Other names: short protein forms S696P.
Identifiers: ClinVar variation 4686239 (VCV004686239.2).